The following is an entry in ClinVar:

ClinVar aggregate classification (germline): Likely benign. Review status: criteria provided, multiple submitters, no conflicts (2 of 4 stars). 5 submissions from 5 submitters: Likely benign (4). 1 of the submissions does not count toward it. Last evaluated 2025-07-27.

Conditions:
LAMA2-related disorder. Also called: LAMA2-related condition; LAMA2-related disorders.
LAMA2-related muscular dystrophy (LAMA2-RD). Also called: Laminin alpha 2-related dystrophy. Identifiers: MedGen C5679788, MONDO:0100228.

Allele frequency attached by ClinVar (database versions not stated): ExAC 0.00013; ESP Exome Variant Server 0.00015; 1000 Genomes Project 30x 0.00016; 1000 Genomes Project 0.00020; gnomAD exomes 0.00021; TOPMed 0.00025; gnomAD 0.00027 and 0.00029.
gnomAD v4.1: 194 of 1,611,986 alleles (0.012%); highest among the groups gnomAD compares: African/African-American, 0.064%; no homozygotes.

Submissions (5):

Labcorp Genetics (formerly Invitae), Labcorp
Classification: Likely benign for LAMA2-related muscular dystrophy. Last evaluated: 2025-07-27. Review status: criteria provided, single submitter. Criteria: Invitae Variant Classification Sherloc (09022015). Collection method: clinical testing. Allele origin: germline.

Women's Health and Genetics/Laboratory Corporation of America, LabCorp
Classification: Likely benign. Last evaluated: 2025-05-08. Review status: criteria provided, single submitter. Criteria: LabCorp Variant Classification Summary - May 2015. Collection method: clinical testing. Allele origin: germline.

Blueprint Genetics
Classification: Likely benign. Last evaluated: 2024-11-19. Review status: criteria provided, single submitter. Criteria: ACMG Guidelines, 2015. Collection method: clinical testing. Allele origin: germline.

Athena Diagnostics
Classification: Likely benign. Last evaluated: 2019-05-03. Review status: criteria provided, single submitter. Criteria: Athena Diagnostics Criteria. Collection method: clinical testing. Allele origin: germline.

PreventionGenetics, part of Exact Sciences
Classification: Likely benign for LAMA2-related condition. Last evaluated: 2019-05-21. Review status: no assertion criteria provided. Collection method: clinical testing. Allele origin: germline. Not counted in ClinVar's aggregate classification.
Comment: This variant is classified as likely benign based on ACMG/AMP sequence variant interpretation guidelines (Richards et al. 2015 PMID: 25741868, with internal and published modifications).

NM_000426.4(LAMA2):c.2121C>T (p.Ser707=)

Gene: LAMA2 (laminin subunit alpha 2; plus strand). Cytogenetic location: 6q22.33.
Variant type: single nucleotide variant.
Coding change: c.2121C>T on transcript NM_000426.4 (MANE Select); coding-DNA position 2121, C replaced by T.
Protein change: p.Ser707=; no amino-acid change (serine 707 retained).
Molecular consequence: synonymous variant.
Genome position (GRCh38, 1-based): chr6:129,260,735, C>T. VCF-style: chr6-129260735-C-T. GRCh37 (hg19) VCF-style: chr6-129581880-C-T.
Other names: c.2121C>T, p.Ser707= (NM_001079823.2).
Identifiers: ClinVar variation 706897 (VCV000706897.16), dbSNP rs145622088, ClinGen allele CA3992835.